The following is an entry in ClinVar:

NM_201253.3(CRB1):c.872G>T (p.Ser291Ile)

Gene: CRB1 (crumbs cell polarity complex component 1; plus strand). Cytogenetic location: 1q31.3.
Variant type: single nucleotide variant.
Coding change: c.872G>T on transcript NM_201253.3 (MANE Select); coding-DNA position 872, G replaced by T.
Protein change: p.Ser291Ile; replaces serine 291 with isoleucine.
Molecular consequence: missense variant. On other transcripts: non-coding transcript variant (2), intron variant (1).
Genome position (GRCh38, 1-based): chr1:197,347,363, G>T. VCF-style: chr1-197347363-G-T. GRCh37 (hg19) VCF-style: chr1-197316493-G-T.
Other names: c.665G>T, p.Ser222Ile (NM_001257965.2); c.872G>T, p.Ser291Ile (NM_001257966.2); c.653-9468G>T (NM_001193640.2); short protein forms S222I, S291I.
Identifiers: ClinVar variation 1486638 (VCV001486638.8), dbSNP rs1374962600, ClinGen allele CA344084016.
Genomic context (GRCh38, chr1:197,347,363, plus strand): 5'-ACTAAGAGTTGACATGAAAATTTCATTTACTTTCCAGATATAGCTGTAACTGCACGGGTA[G>T]TGGATTCACAGGGACACACTGTGAGACCTTGATGCCTCTTTGTTGGTCAAAACCTTGTCA-3'
Protein context (NP_957705.1, residues 281-301): ENRYSCNCTG[Ser291Ile]GFTGTHCETL

ClinVar aggregate classification (germline): Uncertain significance (1 of 4 stars; one submission).

Conditions:
Retinitis pigmentosa 12 (RP12). Also called: RP WITH OR WITHOUT PRESERVED PARAARTERIOLE RETINAL PIGMENT EPITHELIUM; RETINITIS PIGMENTOSA WITH OR WITHOUT PARAARTERIOLAR PRESERVATION OF RETINAL PIGMENT EPITHELIUM; RP WITH OR WITHOUT PPRPE. Identifiers: Orphanet 791, MedGen C1838647, MONDO:0010818, OMIM 600105.
Leber congenital amaurosis 8 (LCA8). Identifiers: Orphanet 65, MedGen C3151202, MONDO:0013453, OMIM 613835.

Submission:

Labcorp Genetics (formerly Invitae), Labcorp
Classification: Uncertain significance for Leber congenital amaurosis 8; Retinitis pigmentosa 12. Last evaluated: 2020-11-04. Review status: criteria provided, single submitter. Criteria: Invitae Variant Classification Sherloc (09022015). Collection method: clinical testing. Allele origin: germline.
Comment: This sequence change replaces serine with isoleucine at codon 291 of the CRB1 protein (p.Ser291Ile). The serine residue is highly conserved and there is a large physicochemical difference between serine and isoleucine. This variant is not present in population databases (ExAC no frequency). Advanced modeling of protein sequence and biophysical properties (such as structural, functional, and spatial information, amino acid conservation, physicochemical variation, residue mobility, and thermodynamic stability) performed at Invitae indicates that this missense variant is not expected to disrupt CRB1 protein function. This variant has not been reported in the literature in individuals with CRB1-related conditions. In summary, the available evidence is currently insufficient to determine the role of this variant in disease. Therefore, it has been classified as a Variant of Uncertain Significance.